The following is an entry in ClinVar:

NM_004360.5(CDH1):c.1070C>A (p.Thr357Lys)

Gene: CDH1 (cadherin 1; plus strand). Cytogenetic location: 16q22.1.
Variant type: single nucleotide variant.
Coding change: c.1070C>A on transcript NM_004360.5 (MANE Select); coding-DNA position 1070, C replaced by A.
Protein change: p.Thr357Lys; replaces threonine 357 with lysine.
Molecular consequence: missense variant. On other transcripts: 5 prime UTR variant (2).
Genome position (GRCh38, 1-based): chr16:68,812,196, C>A. VCF-style: chr16-68812196-C-A. GRCh37 (hg19) VCF-style: chr16-68846099-C-A.
Other names: c.1070C>A, p.Thr357Lys (NM_001317184.2); c.-546C>A (NM_001317185.2); c.-750C>A (NM_001317186.2); short protein forms T357K.
Identifiers: ClinVar variation 862469 (VCV000862469.17), dbSNP rs1260033180, ClinGen allele CA396460042.

ClinVar aggregate classification (germline): Uncertain significance. Review status: criteria provided, multiple submitters, no conflicts (2 of 4 stars). 6 submissions from 6 submitters: Uncertain significance (6). Last evaluated 2025-11-26.

Conditions:
Hereditary cancer-predisposing syndrome. Also called: Tumor predisposition; Hereditary Cancer Syndrome; Neoplastic Syndromes, Hereditary; Hereditary neoplastic syndrome. Identifiers: Orphanet 140162, MedGen C0027672, MeSH D009386, MONDO:0015356.
Hereditary diffuse gastric adenocarcinoma (HDGC). Also called: DIFFUSE GASTRIC AND LOBULAR BREAST CANCER SYNDROME. Identifiers: Orphanet 26106, MedGen C1708349, MONDO:0007648, OMIM 137215.
Familial cancer of breast. Also called: hereditary breast carcinoma; BREAST CANCER, FAMILIAL; Hereditary breast cancer. Identifiers: Orphanet 227535, MedGen C0346153, MONDO:0016419, OMIM 114480. Disease mechanism: loss of function.
CDH1-related disorder. Also called: CDH1-related condition.

Allele frequency attached by ClinVar (database versions not stated): gnomAD 0.00001; TOPMed 0.00001.
gnomAD v4.1: 4 of 1,614,010 alleles (0.00025%); highest among the groups gnomAD compares: Admixed American, 0.0017%; no homozygotes.

Submissions (6):

Ambry Genetics
Classification: Uncertain significance for Hereditary cancer-predisposing syndrome. Last evaluated: 2025-11-26. Review status: criteria provided, single submitter. Criteria: Ambry Variant Classification Scheme 2023. Collection method: clinical testing. Allele origin: germline.

Color Diagnostics, LLC DBA Color Health
Classification: Uncertain significance for Hereditary cancer-predisposing syndrome. Last evaluated: 2024-12-23. Review status: criteria provided, single submitter. Criteria: ACMG Guidelines, 2015. Collection method: clinical testing. Allele origin: germline.
Comment: This missense variant replaces threonine with lysine at codon 357 of the CDH1 protein. To our knowledge, functional studies have not been reported for this variant. This variant has not been reported in individuals affected with CDH1-related disorders in the literature. This variant has been identified in 4/1614010 chromosomes in the general population by the Genome Aggregation Database (gnomAD). The available evidence is insufficient to determine the role of this variant in disease conclusively. Therefore, this variant is classified as a Variant of Uncertain Significance.

Baylor Genetics
Classification: Uncertain significance for Familial cancer of breast. Last evaluated: 2023-09-13. Review status: criteria provided, single submitter. Criteria: ACMG Guidelines, 2015. Collection method: clinical testing. Allele origin: unknown.

Labcorp Genetics (formerly Invitae), Labcorp
Classification: Uncertain significance for Hereditary diffuse gastric adenocarcinoma. Last evaluated: 2023-07-08. Review status: criteria provided, single submitter. Criteria: Invitae Variant Classification Sherloc (09022015). Collection method: clinical testing. Allele origin: germline.
Comment: In summary, the available evidence is currently insufficient to determine the role of this variant in disease. Therefore, it has been classified as a Variant of Uncertain Significance. An algorithm developed to predict the effect of missense changes on protein structure and function (PolyPhen-2) suggests that this variant is likely to be disruptive. ClinVar contains an entry for this variant (Variation ID: 862469). This variant has not been reported in the literature in individuals affected with CDH1-related conditions. This variant is not present in population databases (gnomAD no frequency). This sequence change replaces threonine, which is neutral and polar, with lysine, which is basic and polar, at codon 357 of the CDH1 protein (p.Thr357Lys).

Women's Health and Genetics/Laboratory Corporation of America, LabCorp
Classification: Uncertain significance. Last evaluated: 2023-03-17. Review status: criteria provided, single submitter. Criteria: LabCorp Variant Classification Summary - May 2015. Collection method: clinical testing. Allele origin: germline.

PreventionGenetics, part of Exact Sciences
Classification: Uncertain significance for CDH1-related condition. Last evaluated: 2023-01-23. Review status: criteria provided, single submitter. Criteria: ACMG Guidelines, 2015. Collection method: clinical testing. Allele origin: germline.
Comment: The CDH1 c.1070C>A variant is predicted to result in the amino acid substitution p.Thr357Lys. To our knowledge, this variant has not been reported in the literature or in a large population database, indicating this variant is rare. At this time, the clinical significance of this variant is uncertain due to the absence of conclusive functional and genetic evidence.